The following is an entry in ClinVar:

ClinVar aggregate classification (germline): Uncertain significance (1 of 4 stars; one submission).

Conditions:
Deficiency of aromatic-L-amino-acid decarboxylase. Also called: Aromatic L-Amino Acid Decarboxylase Deficiency; Aromatic amino acid decarboxylase deficiency; AADC DEFICIENCY; DDC DEFICIENCY; DOPA DECARBOXYLASE DEFICIENCY. Identifiers: Orphanet 35708, MedGen C1291564, MONDO:0012084, OMIM 608643.

Allele frequency attached by ClinVar (database versions not stated): ESP Exome Variant Server 0.00008.
gnomAD v4.1: 8 of 1,611,928 alleles (0.0005%); highest among the groups gnomAD compares: Non-Finnish European, 0.00068%; no homozygotes.

Submission:

Labcorp Genetics (formerly Invitae), Labcorp
Classification: Uncertain significance for Deficiency of aromatic-L-amino-acid decarboxylase. Last evaluated: 2022-05-24. Review status: criteria provided, single submitter. Criteria: Invitae Variant Classification Sherloc (09022015). Collection method: clinical testing. Allele origin: germline.
Comment: In summary, the available evidence is currently insufficient to determine the role of this variant in disease. Therefore, it has been classified as a Variant of Uncertain Significance. Variants that disrupt the consensus splice site are a relatively common cause of aberrant splicing (PMID: 17576681, 9536098). Algorithms developed to predict the effect of sequence changes on RNA splicing suggest that this variant may disrupt the consensus splice site. This variant has not been reported in the literature in individuals affected with DDC-related conditions. This variant is not present in population databases (gnomAD no frequency). This sequence change falls in intron 13 of the DDC gene. It does not directly change the encoded amino acid sequence of the DDC protein. It affects a nucleotide within the consensus splice site.

Literature cited by the submitters: PubMed 17576681; PubMed 9536098.

NM_001082971.2(DDC):c.1242+5G>C

Gene: DDC (dopa decarboxylase; minus strand). Cytogenetic location: 7p12.2.
Variant type: single nucleotide variant.
Coding change: c.1242+5G>C on transcript NM_001082971.2 (MANE Select); 5 bases into the intron after coding-DNA position 1242, G replaced by C.
Molecular consequence: intron variant.
Genome position (GRCh38, 1-based): chr7:50,467,209, C>G on the plus strand (G>C on the coding strand, the complement: DDC is on the minus strand). VCF-style: chr7-50467209-C-G. GRCh37 (hg19) VCF-style: chr7-50534907-C-G.
Other names: c.1008+5G>C (NM_001242888.2); c.1128+5G>C (NM_001242886.2); c.963+5G>C (NM_001242889.2); c.1098+5G>C (NM_001242887.2); c.1242+5G>C (NM_000790.4).
Identifiers: ClinVar variation 1944408 (VCV001944408.5), dbSNP rs376967659, ClinGen allele CA158223392.